The following is an entry in ClinVar:

NM_001458.5(FLNC):c.6656C>A (p.Pro2219His)

Genes: FLNC (filamin C; plus strand), FLNC-AS1 (FLNC antisense RNA 1; minus strand). Cytogenetic location: 7q32.1.
Variant type: single nucleotide variant.
Coding change: c.6656C>A on transcript NM_001458.5 (MANE Select); coding-DNA position 6656, C replaced by A.
Protein change: p.Pro2219His; replaces proline 2219 with histidine.
Molecular consequence: missense variant.
Genome position (GRCh38, 1-based): chr7:128,854,145, C>A. VCF-style: chr7-128854145-C-A. GRCh37 (hg19) VCF-style: chr7-128494199-C-A.
Other names: c.6557C>A, p.Pro2186His (NM_001127487.2); short protein forms P2186H, P2219H.
Identifiers: ClinVar variation 1369318 (VCV001369318.8), dbSNP rs1808948567, ClinGen allele CA369213019.
Genomic context (GRCh38, chr7:128,854,145, plus strand): 5'-GGGAGACAAAGCGCGAGGTGCGGGTGGAGGAGTCCACCCAGGTCGGCGGGGACCCCTTCC[C>A]TGCTGTGTTTGGGGACTTCCTGGGCCGGGAGCGCCTGGGATCCTTCGGCAGCATCACCCG-3'
Protein context (NP_001449.3, residues 2209-2229): ESTQVGGDPF[Pro2219His]AVFGDFLGRE

ClinVar aggregate classification (germline): Uncertain significance (1 of 4 stars; one submission).

Conditions:
Myofibrillar myopathy 5. Also called: Filaminopathy (type); FILAMINOPATHY, AUTOSOMAL DOMINANT. Identifiers: Orphanet 171445, MedGen C1836050, MONDO:0012289, OMIM 609524.
Distal myopathy with posterior leg and anterior hand involvement. Also called: WILLIAMS DISTAL MYOPATHY. Identifiers: Orphanet 63273, MedGen C3279722, MONDO:0013550, OMIM 614065.
Hypertrophic cardiomyopathy 26. Also called: Cardiomyopathy, familial hypertrophic, 26. Identifiers: Orphanet 75249, MedGen C4310749, MONDO:0014883, OMIM 617047.

Allele frequency attached by ClinVar (database versions not stated): gnomAD exomes 0.00001.
gnomAD v4.1: 5 of 1,612,590 alleles (0.00031%); highest among the groups gnomAD compares: Non-Finnish European, 0.00042%; no homozygotes.

Submission:

Labcorp Genetics (formerly Invitae), Labcorp
Classification: Uncertain significance for Distal myopathy with posterior leg and anterior hand involvement; Myofibrillar myopathy 5; Hypertrophic cardiomyopathy 26. Last evaluated: 2020-11-18. Review status: criteria provided, single submitter. Criteria: Invitae Variant Classification Sherloc (09022015). Collection method: clinical testing. Allele origin: germline.
Comment: In summary, the available evidence is currently insufficient to determine the role of this variant in disease. Therefore, it has been classified as a Variant of Uncertain Significance. Algorithms developed to predict the effect of missense changes on protein structure and function (SIFT, PolyPhen-2, Align-GVGD) all suggest that this variant is likely to be tolerated, but these predictions have not been confirmed by published functional studies and their clinical significance is uncertain. This variant has not been reported in the literature in individuals with FLNC-related conditions. This variant is not present in population databases (ExAC no frequency). This sequence change replaces proline with histidine at codon 2219 of the FLNC protein (p.Pro2219His). The proline residue is weakly conserved and there is a moderate physicochemical difference between proline and histidine.